The following is an entry in ClinVar:

ClinVar aggregate classification (germline): Conflicting classifications of pathogenicity. Review status: criteria provided, conflicting classifications (1 of 4 stars). 3 submissions from 3 submitters: Uncertain significance (1); Likely benign (2). Last evaluated 2026-01-14.

Conditions:
Inborn genetic diseases. Identifiers: MedGen C0950123, MeSH D030342.
Charcot-Marie-Tooth disease axonal type 2P. Also called: CHARCOT-MARIE-TOOTH DISEASE, AXONAL, TYPE 2G; CMT 2G; CHARCOT-MARIE-TOOTH NEUROPATHY, TYPE 2P; Charcot-Marie-Tooth Neuropathy Type 2G. Identifiers: Orphanet 300319, Orphanet 99941, MedGen C3280797, MONDO:0013753, OMIM 614436.

Allele frequency attached by ClinVar (database versions not stated): gnomAD below 0.00001 and 0.00004; TOPMed below 0.00001; gnomAD exomes 0.00024 and 0.00010; ExAC 0.00027; 1000 Genomes Project 30x 0.00016; 1000 Genomes Project 0.00020.
gnomAD v4.1: 157 of 1,614,268 alleles (0.0097%); highest among the groups gnomAD compares: South Asian, 0.16%; 1 homozygote.

Submissions (3):

Labcorp Genetics (formerly Invitae), Labcorp
Classification: Likely benign for Charcot-Marie-Tooth disease axonal type 2P. Last evaluated: 2026-01-14. Review status: criteria provided, single submitter. Criteria: Invitae Variant Classification Sherloc (09022015). Collection method: clinical testing. Allele origin: germline.

Ambry Genetics
Classification: Uncertain significance for Inborn genetic diseases. Last evaluated: 2022-06-21. Review status: criteria provided, single submitter. Criteria: Ambry Variant Classification Scheme 2023. Collection method: clinical testing. Allele origin: germline.
Comment: The p.D236N variant (also known as c.706G>A), located in coding exon 9 of the LRSAM1 gene, results from a G to A substitution at nucleotide position 706. The aspartic acid at codon 236 is replaced by asparagine, an amino acid with highly similar properties. This amino acid position is conserved. In addition, this alteration is predicted to be tolerated by in silico analysis. Since supporting evidence is limited at this time, the clinical significance of this alteration remains unclear.

Illumina Laboratory Services, Illumina
Classification: Likely benign for Charcot-Marie-Tooth disease axonal type 2P. Last evaluated: 2018-01-13. Review status: criteria provided, single submitter. Criteria: ICSL Variant Classification Criteria 13 December 2019. Collection method: clinical testing. Allele origin: germline.
Comment: This variant was observed in the ICSL laboratory as part of a predisposition screen in an ostensibly healthy population. It had not been previously curated by ICSL or reported in the Human Gene Mutation Database (HGMD: prior to June 1st, 2018), and was therefore a candidate for classification through an automated scoring system. Utilizing variant allele frequency, disease prevalence and penetrance estimates, and inheritance mode, an automated score was calculated to assess if this variant is too frequent to cause the disease. Based on the score and internal cut-off values, a variant classified as likely benign is not then subjected to further curation. The score for this variant resulted in a classification of likely benign for this disease.

NM_001005373.4(LRSAM1):c.706G>A (p.Asp236Asn)

Gene: LRSAM1 (leucine rich repeat and sterile alpha motif containing 1; plus strand). Cytogenetic location: 9q33.3.
Variant type: single nucleotide variant.
Coding change: c.706G>A on transcript NM_001005373.4 (MANE Select); coding-DNA position 706, G replaced by A.
Protein change: p.Asp236Asn; replaces aspartic acid 236 with asparagine.
Molecular consequence: missense variant. On other transcripts: 5 prime UTR variant (1), non-coding transcript variant (2).
Genome position (GRCh38, 1-based): chr9:127,473,887, G>A. VCF-style: chr9-127473887-G-A. GRCh37 (hg19) VCF-style: chr9-130236166-G-A.
Other names: c.706G>A (NM_138361.4); c.706G>A, p.Asp236Asn (NM_001005374.4, NM_001190723.3, NM_001384142.1 and 2 more transcripts); c.-79G>A (NM_001384144.1); short protein forms D236N.
Identifiers: ClinVar variation 912895 (VCV000912895.14), dbSNP rs551957380, ClinGen allele CA5246655.
Genomic context (GRCh38, chr9:127,473,887, plus strand): 5'-TCTCAGTACTTGCTGCCAATTCTGGAGCAAGATGGAATCGAGAACTCTCGGGACAGCCCT[G>A]ATGGGCCCACGGACAGATTCTCAAGGGAGGAGTTAGAGTGGCAGGTAAGACAAGGCAGCC-3'
Protein context (NP_001005373.1, residues 226-246): DGIENSRDSP[Asp236Asn]GPTDRFSREE